The following is an entry in ClinVar:

NM_000540.3(RYR1):c.14659C>T (p.His4887Tyr)

Gene: RYR1 (ryanodine receptor 1; plus strand). Cytogenetic location: 19q13.2.
Variant type: single nucleotide variant.
Coding change: c.14659C>T on transcript NM_000540.3 (MANE Select); coding-DNA position 14659, C replaced by T.
Protein change: p.His4887Tyr; replaces histidine 4887 with tyrosine.
Molecular consequence: missense variant.
Genome position (GRCh38, 1-based): chr19:38,584,955, C>T. VCF-style: chr19-38584955-C-T. GRCh37 (hg19) VCF-style: chr19-39075595-C-T.
Other names: c.14644C>T, p.His4882Tyr (NM_001042723.2); short protein forms H4887Y, H4882Y.
Identifiers: ClinVar variation 65952 (VCV000065952.5), dbSNP rs118192147, ClinGen allele CA024212.
Genomic context (GRCh38, chr19:38,584,955, plus strand): 5'-TCAGTGAATGTCGAATGAATGAGTGACCAGTGTGCTCCCCTCCCTCAGTGTTACCTGTTT[C>T]ACATGTACGTGGGTGTCCGGGCTGGCGGAGGCATTGGGGACGAGATCGAGGACCCCGCGG-3'
Protein context (NP_000531.2, residues 4877-4897): CDDMMTCYLF[His4887Tyr]MYVGVRAGGG

ClinVar aggregate classification (germline): Likely pathogenic. Review status: criteria provided, single submitter (1 of 4 stars). 3 submissions from 3 submitters: Likely pathogenic (1). 2 of the submissions do not count toward it. Last evaluated 2023-07-05.

Conditions:
RYR1-related disorder. Also called: RYR1-related condition; RYR1-related disorders. Identifiers: MedGen CN239331.
Central core myopathy (CMYO1A). Also called: Central core disease; Myopathy, central fibrillar; CONGENITAL MYOPATHY 1A, AUTOSOMAL DOMINANT, WITH SUSCEPTIBILITY TO MALIGNANT HYPERTHERMIA. Identifiers: Orphanet 597, MedGen C5830701, MONDO:0007294, OMIM 117000.

Submissions (3):

PreventionGenetics, part of Exact Sciences
Classification: Likely pathogenic for RYR1-related condition. Last evaluated: 2023-07-05. Review status: criteria provided, single submitter. Criteria: ACMG Guidelines, 2015. Collection method: clinical testing. Allele origin: germline.
Comment: The RYR1 c.14659C>T variant is predicted to result in the amino acid substitution p.His4887Tyr. This variant was reported in an individual with autosomal dominant RYR1-related myopathy (Herasse et al 2007. PubMed ID: 17204937). This variant was also reported with a second RYR1 missense variant in an additional patient with RYR1-related myopathy (Fusto A et al 2022. PubMed ID: 35428369). Exon 102 of the RYR1 gene is considered to be a “hot spot” for pathogenic variants, and substitutions of many surrounding amino acids are reported to be causative for RYR1-related myopathy and malignant hyperthermia susceptibility. This variant has not been reported in a large population database, indicating this variant is rare. This variant is interpreted as likely pathogenic for autosomal dominant RYR1-related disorders.

GeneReviews
Classification: Pathogenic for Central Core Disease. Last evaluated: 2010-05-11. Review status: no assertion criteria provided. Collection method: curation. Allele origin: unknown. Not counted in ClinVar's aggregate classification.
ClinVar note: Converted during submission from pathologic to Pathogenic.

RYR1 database
No classification provided. Review status: no classification provided. Collection method: not provided. Allele origin: unknown. Not counted in ClinVar's aggregate classification.